The following is an entry in ClinVar:

ClinVar aggregate classification (germline): Uncertain significance (1 of 4 stars; one submission).

gnomAD v4.1: 9 of 1,587,534 alleles (0.00057%); highest among the groups gnomAD compares: Non-Finnish European, 0.00051%; no homozygotes.

Submission:

GeneDx
Classification: Uncertain significance. Last evaluated: 2023-07-26. Review status: criteria provided, single submitter. Criteria: GeneDx Variant Classification Process June 2021. Collection method: clinical testing. Allele origin: germline. Affected: yes.
Comment: Not observed at significant frequency in large population cohorts (gnomAD); In silico analysis supports that this missense variant has a deleterious effect on protein structure/function; Has not been previously published as pathogenic or benign to our knowledge

NM_006268.5(DPF2):c.536G>A (p.Arg179His)

Gene: DPF2 (double PHD fingers 2; plus strand). Cytogenetic location: 11q13.1.
Variant type: single nucleotide variant.
Coding change: c.536G>A on transcript NM_006268.5 (MANE Select); coding-DNA position 536, G replaced by A.
Protein change: p.Arg179His; replaces arginine 179 with histidine.
Molecular consequence: missense variant.
Genome position (GRCh38, 1-based): chr11:65,343,815, G>A. VCF-style: chr11-65343815-G-A. GRCh37 (hg19) VCF-style: chr11-65111286-G-A.
Other names: c.536G>A, p.Arg179His (NM_001330308.2); short protein forms R179H.
Identifiers: ClinVar variation 3361504 (VCV003361504.1).